The following is an entry in ClinVar:

ClinVar aggregate classification (germline): Benign/Likely benign. Review status: criteria provided, multiple submitters, no conflicts (2 of 4 stars). 2 submissions from 2 submitters: Benign (1); Likely benign (1). Last evaluated 2024-12-01.

Conditions:
Amyotrophic lateral sclerosis type 15. Also called: AMYOTROPHIC LATERAL SCLEROSIS 15 WITH FRONTOTEMPORAL DEMENTIA. Identifiers: Orphanet 803, MedGen C3275459, MONDO:0010459, OMIM 300857.

Allele frequency attached by ClinVar (database versions not stated): ExAC 0.00001; gnomAD exomes 0.00002 and 0.00003; TOPMed 0.00002; gnomAD 0.00006 and 0.00007.
gnomAD v4.1: 37 of 1,210,110 alleles (0.0031%); highest among the groups gnomAD compares: Middle Eastern, 0.023%; no homozygotes.

Submissions (2):

CeGaT Center for Human Genetics Tuebingen
Classification: Likely benign. Last evaluated: 2024-12-01. Review status: criteria provided, single submitter. Criteria: CeGaT Center For Human Genetics Tuebingen Variant Classification Criteria Version 2. Collection method: clinical testing. Allele origin: germline. Affected: yes. Observed: 1 variant allele.
Comment: UBQLN2: BP4, BP7, BS2

Labcorp Genetics (formerly Invitae), Labcorp
Classification: Benign for Amyotrophic lateral sclerosis type 15. Last evaluated: 2022-11-22. Review status: criteria provided, single submitter. Criteria: Invitae Variant Classification Sherloc (09022015). Collection method: clinical testing. Allele origin: germline.

NM_013444.4(UBQLN2):c.1302G>T (p.Leu434=)

Gene: UBQLN2 (ubiquilin 2; plus strand). Cytogenetic location: Xp11.21.
Variant type: single nucleotide variant.
Coding change: c.1302G>T on transcript NM_013444.4 (MANE Select); coding-DNA position 1302, G replaced by T.
Protein change: p.Leu434=; no amino-acid change (leucine 434 retained).
Molecular consequence: synonymous variant.
Genome position (GRCh38, 1-based): chrX:56,565,175, G>T. VCF-style: chrX-56565175-G-T. GRCh37 (hg19) VCF-style: chrX-56591608-G-T.
Identifiers: ClinVar variation 1604384 (VCV001604384.21), dbSNP rs759543866, ClinGen allele CA10430147.
Genomic context (GRCh38, chrX:56,565,175, plus strand): 5'-GCTGTTTACTGCAAATCCTCAGCTGCAGGAGCAGATGCGGCCACAGCTCCCAGCCTTCCT[G>T]CAGCAGATGCAGAATCCAGACACACTATCAGCCATGTCAAACCCAAGAGCAATGCAGGCT-3'
Protein context (NP_038472.2, residues 424-444): EQMRPQLPAF[Leu434=]QQMQNPDTLS